The following is an entry in ClinVar:

ClinVar aggregate classification (germline): Likely benign (1 of 4 stars; one submission).

Allele frequency attached by ClinVar (database versions not stated): 1000 Genomes Project 30x 0.00016; 1000 Genomes Project 0.00020; TOPMed 0.00035; gnomAD 0.00045; ExAC 0.00056; gnomAD exomes 0.00068; ESP Exome Variant Server 0.00069.
gnomAD v4.1: 1,045 of 1,605,914 alleles (0.065%); highest among the groups gnomAD compares: South Asian, 0.085%; 3 homozygotes.

Submission:

CeGaT Center for Human Genetics Tuebingen
Classification: Likely benign. Last evaluated: 2023-01-01. Review status: criteria provided, single submitter. Criteria: CeGaT Center For Human Genetics Tuebingen Variant Classification Criteria Version 2. Collection method: clinical testing. Allele origin: germline. Affected: yes. Observed: 1 variant allele.
Comment: SH3TC1: BP4, BP7

NM_018986.5(SH3TC1):c.2727C>T (p.Phe909=)

Gene: SH3TC1 (SH3 domain and tetratricopeptide repeats 1; plus strand). Cytogenetic location: 4p16.1.
Variant type: single nucleotide variant.
Coding change: c.2727C>T on transcript NM_018986.5 (MANE Select); coding-DNA position 2727, C replaced by T.
Protein change: p.Phe909=; no amino-acid change (phenylalanine 909 retained).
Molecular consequence: synonymous variant. On other transcripts: non-coding transcript variant (1).
Genome position (GRCh38, 1-based): chr4:8,228,421, C>T. VCF-style: chr4-8228421-C-T. GRCh37 (hg19) VCF-style: chr4-8230148-C-T.
Other names: c.2499C>T, p.Phe833= (NM_001318480.2); c.2646C>T, p.Phe882= (NM_001410712.1).
Identifiers: ClinVar variation 2654650 (VCV002654650.24), dbSNP rs147408044, ClinGen allele CA2849691.
Genomic context (GRCh38, chr4:8,228,421, plus strand): 5'-CCTGCGGGTGGCTCGGGACCTGGGCCAGCAAAGGAACCAGGCAGTGGGGCTGGCCAACTT[C>T]GGGGCCCTGTGCCTGCATGCGGGTGCCAGCAGGCTGGCCCAGCACTACCTCCTGGAGGCC-3'
Protein context (NP_061859.4, residues 899-919): QRNQAVGLAN[Phe909=]GALCLHAGAS